The following is an entry in ClinVar:

ClinVar aggregate classification (germline): Uncertain significance. Review status: criteria provided, multiple submitters, no conflicts (2 of 4 stars). 2 submissions from 2 submitters: Uncertain significance (2). Last evaluated 2024-12-15.

Conditions:
Mitochondrial complex II deficiency, nuclear type 1. Also called: SUCCINATE CoQ REDUCTASE DEFICIENCY. Identifiers: Orphanet 3208, MedGen C5700310, MONDO:0100294, OMIM 252011.
Pheochromocytoma/paraganglioma syndrome 5. Also called: Paragangliomas 5; SDHA-Related Hereditary Paraganglioma-Pheochromocytoma Syndrome. Identifiers: Orphanet 29072, MedGen C3279992, MONDO:0013602, OMIM 614165.
Hereditary cancer-predisposing syndrome. Also called: Tumor predisposition; Hereditary Cancer Syndrome; Hereditary neoplastic syndrome; Neoplastic Syndromes, Hereditary. Identifiers: Orphanet 140162, MedGen C0027672, MeSH D009386, MONDO:0015356.

Allele frequency attached by ClinVar (database versions not stated): gnomAD exomes below 0.00001.
gnomAD v4.1: 3 of 1,613,988 alleles (0.00019%); highest among the groups gnomAD compares: Non-Finnish European, 0.00025%; no homozygotes.

Submissions (2):

Labcorp Genetics (formerly Invitae), Labcorp
Classification: Uncertain significance for Pheochromocytoma/paraganglioma syndrome 5; Mitochondrial complex II deficiency, nuclear type 1. Last evaluated: 2024-12-15. Review status: criteria provided, single submitter. Criteria: Invitae Variant Classification Sherloc (09022015). Collection method: clinical testing. Allele origin: germline.
Comment: This sequence change replaces glutamic acid, which is acidic and polar, with glycine, which is neutral and non-polar, at codon 360 of the SDHA protein (p.Glu360Gly). This variant is not present in population databases (gnomAD no frequency). This variant has not been reported in the literature in individuals affected with SDHA-related conditions. ClinVar contains an entry for this variant (Variation ID: 1785638). Invitae Evidence Modeling of protein sequence and biophysical properties (such as structural, functional, and spatial information, amino acid conservation, physicochemical variation, residue mobility, and thermodynamic stability) indicates that this missense variant is not expected to disrupt SDHA protein function with a negative predictive value of 95%. In summary, the available evidence is currently insufficient to determine the role of this variant in disease. Therefore, it has been classified as a Variant of Uncertain Significance.

Ambry Genetics
Classification: Uncertain significance for Hereditary cancer-predisposing syndrome. Last evaluated: 2022-10-20. Review status: criteria provided, single submitter. Criteria: Ambry Variant Classification Scheme 2023. Collection method: clinical testing. Allele origin: germline.
Comment: The p.E360G variant (also known as c.1079A>G), located in coding exon 9 of the SDHA gene, results from an A to G substitution at nucleotide position 1079. The glutamic acid at codon 360 is replaced by glycine, an amino acid with similar properties. This amino acid position is conserved. In addition, the in silico prediction for this alteration is inconclusive. Since supporting evidence is limited at this time, the clinical significance of this alteration remains unclear.

NM_004168.4(SDHA):c.1079A>G (p.Glu360Gly)

Gene: SDHA (succinate dehydrogenase complex flavoprotein subunit A; plus strand). Cytogenetic location: 5p15.33.
Variant type: single nucleotide variant.
Coding change: c.1079A>G on transcript NM_004168.4 (MANE Select); coding-DNA position 1079, A replaced by G.
Protein change: p.Glu360Gly; replaces glutamic acid 360 with glycine.
Molecular consequence: missense variant.
Genome position (GRCh38, 1-based): chr5:235,158, A>G. VCF-style: chr5-235158-A-G. GRCh37 (hg19) VCF-style: chr5-235273-A-G.
Other names: c.935A>G, p.Glu312Gly (NM_001294332.2); c.1079A>G, p.Glu360Gly (NM_001330758.2); short protein forms E312G, E360G.
Identifiers: ClinVar variation 1785638 (VCV001785638.5), dbSNP rs2477362270, ClinGen allele CA359013406.